The following is an entry in ClinVar:

ClinVar aggregate classification (germline): Uncertain significance. Review status: criteria provided, multiple submitters, no conflicts (2 of 4 stars). 5 submissions from 5 submitters: Uncertain significance (4). 1 of the submissions does not count toward it. Last evaluated 2025-04-10.

Conditions:
Nephronophthisis 9 (NPHP9). Identifiers: Orphanet 655, MedGen C3151188, MONDO:0013444, OMIM 613824.
Renal-hepatic-pancreatic dysplasia 2 (RHPD2). Identifiers: MedGen C3809434, MONDO:0014174, OMIM 615415.
NEK8-related disorder. Also called: NEK8-related condition.

Allele frequency attached by ClinVar (database versions not stated): ExAC 0.00003; gnomAD 0.00009 and 0.00011; gnomAD exomes 0.00009; TOPMed 0.00020.
gnomAD v4.1: 58 of 1,613,856 alleles (0.0036%); highest among the groups gnomAD compares: Admixed American, 0.06%; no homozygotes.

Submissions (5):

Labcorp Genetics (formerly Invitae), Labcorp
Classification: Uncertain significance for Nephronophthisis 9. Last evaluated: 2025-04-10. Review status: criteria provided, single submitter. Criteria: Invitae Variant Classification Sherloc (09022015). Collection method: clinical testing. Allele origin: germline.
Comment: This sequence change replaces glutamic acid, which is acidic and polar, with lysine, which is basic and polar, at codon 195 of the NEK8 protein (p.Glu195Lys). This variant is present in population databases (rs752331372, gnomAD 0.06%). This variant has not been reported in the literature in individuals affected with NEK8-related conditions. ClinVar contains an entry for this variant (Variation ID: 471780). An algorithm developed to predict the effect of missense changes on protein structure and function (PolyPhen-2) suggests that this variant is likely to be disruptive. In summary, the available evidence is currently insufficient to determine the role of this variant in disease. Therefore, it has been classified as a Variant of Uncertain Significance.

Women's Health and Genetics/Laboratory Corporation of America, LabCorp
Classification: Uncertain significance. Last evaluated: 2023-09-29. Review status: criteria provided, single submitter. Criteria: LabCorp Variant Classification Summary - May 2015. Collection method: clinical testing. Allele origin: germline.
Comment: Variant summary: NEK8 c.583G>A (p.Glu195Lys) results in a conservative amino acid change located in the Protein kinase domain (IPR000719) of the encoded protein sequence. Three of five in-silico tools predict a damaging effect of the variant on protein function. The variant allele was found at a frequency of 8.8e-05 in 250840 control chromosomes (gnomAD). To our knowledge, no occurrence of c.583G>A in individuals affected with Renal-Hepatic Dysplasia 2 and no experimental evidence demonstrating its impact on protein function have been reported. Three submitters have cited clinical-significance assessments for this variant to ClinVar after 2014. All submitters classified the variant as uncertain significance. Based on the evidence outlined above, the variant was classified as uncertain significance.

GeneDx
Classification: Uncertain significance. Last evaluated: 2022-11-21. Review status: criteria provided, single submitter. Criteria: GeneDx Variant Classification Process June 2021. Collection method: clinical testing. Allele origin: germline. Affected: yes.
Comment: In silico analysis supports that this missense variant has a deleterious effect on protein structure/function; Has not been previously published as pathogenic or benign to our knowledge

Fulgent Genetics
Classification: Uncertain significance for Nephronophthisis 9; Renal-hepatic-pancreatic dysplasia 2. Last evaluated: 2022-04-04. Review status: criteria provided, single submitter. Criteria: ACMG Guidelines, 2015. Collection method: clinical testing. Allele origin: unknown.

PreventionGenetics, part of Exact Sciences
Classification: Uncertain significance for NEK8-related condition. Last evaluated: 2024-08-24. Review status: no assertion criteria provided. Collection method: clinical testing. Allele origin: germline. Not counted in ClinVar's aggregate classification.
Comment: The NEK8 c.583G>A variant is predicted to result in the amino acid substitution p.Glu195Lys. To our knowledge, this variant has not been reported in the literature. This variant is reported in 0.051% of alleles in individuals of Latino descent in gnomAD. At this time, the clinical significance of this variant is uncertain due to the absence of conclusive functional and genetic evidence.

NM_178170.3(NEK8):c.583G>A (p.Glu195Lys)

Gene: NEK8 (NIMA related kinase 8; plus strand). Cytogenetic location: 17q11.2.
Variant type: single nucleotide variant.
Coding change: c.583G>A on transcript NM_178170.3 (MANE Select); coding-DNA position 583, G replaced by A.
Protein change: p.Glu195Lys; replaces glutamic acid 195 with lysine.
Molecular consequence: missense variant.
Genome position (GRCh38, 1-based): chr17:28,735,336, G>A. VCF-style: chr17-28735336-G-A. GRCh37 (hg19) VCF-style: chr17-27062354-G-A.
Other names: short protein forms E195K.
Identifiers: ClinVar variation 471780 (VCV000471780.10), dbSNP rs752331372, ClinGen allele CA8467117.